The following is an entry in ClinVar:

NM_032578.4(MYPN):c.1200A>G (p.Gln400=)

Gene: MYPN (myopalladin; plus strand). Cytogenetic location: 10q21.3.
Variant type: single nucleotide variant.
Coding change: c.1200A>G on transcript NM_032578.4 (MANE Select); coding-DNA position 1200, A replaced by G.
Protein change: p.Gln400=; no amino-acid change (glutamine 400 retained).
Molecular consequence: synonymous variant. On other transcripts: non-coding transcript variant (2).
Genome position (GRCh38, 1-based): chr10:68,148,422, A>G. VCF-style: chr10-68148422-A-G. GRCh37 (hg19) VCF-style: chr10-69908179-A-G.
Other names: c.1200A>G, p.Gln400= (NM_001256267.2); c.318A>G, p.Gln106= (NM_001256268.2).
Identifiers: ClinVar variation 544049 (VCV000544049.24), dbSNP rs768030641, ClinGen allele CA5522472.

ClinVar aggregate classification (germline): Likely benign. Review status: criteria provided, multiple submitters, no conflicts (2 of 4 stars). 5 submissions from 5 submitters: Likely benign (4). 1 of the submissions does not count toward it. Last evaluated 2025-10-18.

Conditions:
MYPN-related disorder. Also called: MYPN-related condition.
Dilated cardiomyopathy 1KK (CMD1KK). Identifiers: Orphanet 154, Orphanet 75249, MedGen C3714995, MONDO:0014100, OMIM 615248.
Cardiovascular phenotype. Identifiers: MedGen CN230736.

Allele frequency attached by ClinVar (database versions not stated): gnomAD 0.00002; gnomAD exomes 0.00005 and 0.00010; TOPMed 0.00007; ExAC 0.00008.
gnomAD v4.1: 31 of 1,614,028 alleles (0.0019%); highest among the groups gnomAD compares: Admixed American, 0.052%; no homozygotes.

Submissions (5):

Labcorp Genetics (formerly Invitae), Labcorp
Classification: Likely benign for Dilated cardiomyopathy 1KK. Last evaluated: 2025-10-18. Review status: criteria provided, single submitter. Criteria: Invitae Variant Classification Sherloc (09022015). Collection method: clinical testing. Allele origin: germline.

Ambry Genetics
Classification: Likely benign for Cardiovascular phenotype. Last evaluated: 2021-05-10. Review status: criteria provided, single submitter. Criteria: Ambry Variant Classification Scheme 2023. Collection method: clinical testing. Allele origin: germline.

ARUP Laboratories, Molecular Genetics and Genomics, ARUP Laboratories
Classification: Likely benign. Last evaluated: 2020-08-21. Review status: criteria provided, single submitter. Criteria: ARUP Molecular Germline Variant Investigation Process. Collection method: clinical testing. Allele origin: germline.

GeneDx
Classification: Likely benign. Last evaluated: 2019-07-15. Review status: criteria provided, single submitter. Criteria: GeneDx Variant Classification Process June 2021. Collection method: clinical testing. Allele origin: germline. Affected: yes.

PreventionGenetics, part of Exact Sciences
Classification: Likely benign for MYPN-related condition. Last evaluated: 2021-03-22. Review status: no assertion criteria provided. Collection method: clinical testing. Allele origin: germline. Not counted in ClinVar's aggregate classification.
Comment: This variant is classified as likely benign based on ACMG/AMP sequence variant interpretation guidelines (Richards et al. 2015 PMID: 25741868, with internal and published modifications).